The following is an entry in ClinVar:

ClinVar aggregate classification (germline): Pathogenic/Likely pathogenic. Review status: criteria provided, multiple submitters, no conflicts (2 of 4 stars). 2 submissions from 2 submitters: Pathogenic (1); Likely pathogenic (1). Last evaluated 2025-04-24.

Allele frequency attached by ClinVar (database versions not stated): gnomAD exomes below 0.00001; TOPMed below 0.00001.

Submissions (2):

GeneDx
Classification: Likely pathogenic. Last evaluated: 2025-04-24. Review status: criteria provided, single submitter. Criteria: GeneDx Variant Classification Process June 2021. Collection method: clinical testing. Allele origin: germline. Affected: yes.
Comment: Frameshift variant predicted to result in protein truncation or nonsense mediated decay in a gene for which loss of function is a known mechanism of disease; Not observed at significant frequency in large population cohorts (gnomAD); This variant is associated with the following publications: (PMID: 18174396)

Labcorp Genetics (formerly Invitae), Labcorp
Classification: Pathogenic. Last evaluated: 2023-12-15. Review status: criteria provided, single submitter. Criteria: Invitae Variant Classification Sherloc (09022015). Collection method: clinical testing. Allele origin: germline.
Comment: This sequence change creates a premature translational stop signal (p.Ser3027Alafs*23) in the PCNT gene. It is expected to result in an absent or disrupted protein product. Loss-of-function variants in PCNT are known to be pathogenic (PMID: 18174396, 22821869). This variant is present in population databases (no rsID available, gnomAD 0.0009%). This premature translational stop signal has been observed in individual(s) with clinical features of PCNT-related conditions (PMID: 18174396). For these reasons, this variant has been classified as Pathogenic.

Literature cited by the submitters: PubMed 18174396 (cited by Labcorp Genetics (formerly Invitae), Labcorp); PubMed 22821869 (cited by Labcorp Genetics (formerly Invitae), Labcorp).

NM_006031.6(PCNT):c.9078del (p.Ser3027fs)

Gene: PCNT (pericentrin; plus strand). Cytogenetic location: 21q22.3.
Variant type: Deletion.
Coding change: c.9078del on transcript NM_006031.6 (MANE Select); coding-DNA position 9078, one base deleted (G; older notation c.9078delG).
Protein change: p.Ser3027fs; shifts the reading frame from serine 3027.
Molecular consequence: frameshift variant.
Genome position (GRCh38, 1-based): chr21:46,437,060, G deleted. VCF-style (leftmost placement, unchanged base first): chr21-46437059-TG-T. GRCh37 (hg19) VCF-style: chr21-47856972-TG-T.
Other names: c.9078del (NM_006031.5); c.8487del, p.Ser2830fs (NM_001315529.2); short protein forms S2830fs, S3027fs.
Identifiers: ClinVar variation 2737019 (VCV002737019.4), dbSNP rs1314755734, ClinGen allele CA638201102.